The following is an entry in ClinVar:

ClinVar aggregate classification (germline): Uncertain significance (1 of 4 stars; one submission).

Allele frequency attached by ClinVar (database versions not stated): gnomAD exomes below 0.00001.
gnomAD v4.1: 2 of 1,612,866 alleles (0.00012%); highest among the groups gnomAD compares: East Asian, 0.0045%; no homozygotes.

Submission:

Labcorp Genetics (formerly Invitae), Labcorp
Classification: Uncertain significance. Last evaluated: 2024-08-05. Review status: criteria provided, single submitter. Criteria: Invitae Variant Classification Sherloc (09022015). Collection method: clinical testing. Allele origin: germline.
Comment: This sequence change replaces glycine, which is neutral and non-polar, with valine, which is neutral and non-polar, at codon 17 of the PLG protein (p.Gly17Val). This variant is present in population databases (rs755657852, gnomAD 0.006%). This variant has not been reported in the literature in individuals affected with PLG-related conditions. ClinVar contains an entry for this variant (Variation ID: 1960075). An algorithm developed to predict the effect of missense changes on protein structure and function (PolyPhen-2) suggests that this variant is likely to be tolerated. In summary, the available evidence is currently insufficient to determine the role of this variant in disease. Therefore, it has been classified as a Variant of Uncertain Significance.

NM_000301.5(PLG):c.50G>T (p.Gly17Val)

Gene: PLG (plasminogen; plus strand). Cytogenetic location: 6q26.
Variant type: single nucleotide variant.
Coding change: c.50G>T on transcript NM_000301.5 (MANE Select); coding-DNA position 50, G replaced by T.
Protein change: p.Gly17Val; replaces glycine 17 with valine.
Molecular consequence: missense variant.
Genome position (GRCh38, 1-based): chr6:160,706,407, G>T. VCF-style: chr6-160706407-G-T. GRCh37 (hg19) VCF-style: chr6-161127439-G-T.
Other names: c.50G>T, p.Gly17Val (NM_001168338.1); short protein forms G17V.
Identifiers: ClinVar variation 1960075 (VCV001960075.5), dbSNP rs755657852, ClinGen allele CA4087283.
Genomic context (GRCh38, chr6:160,706,407, plus strand): 5'-CAATTAGACATTGACATTGATTTACTGACCATTTATTCCACTTGGATCTCCCACCTCTAG[G>T]TCAAGGAGAGCCTCTGGATGACTATGTGAATACCCAGGGGGCTTCACTGTTCAGTGTCAC-3'
Protein context (NP_000292.1, residues 7-27): VLLLLLFLKS[Gly17Val]QGEPLDDYVN